The following is an entry in ClinVar:

ClinVar aggregate classification (germline): Uncertain significance. Review status: criteria provided, multiple submitters, no conflicts (2 of 4 stars). 3 submissions from 3 submitters: Uncertain significance (3). Last evaluated 2023-12-04.

Conditions:
Juvenile polyposis syndrome (JPS). Identifiers: Orphanet 2929, MedGen C0345893, MONDO:0017380, OMIM 174900.
Familial thoracic aortic aneurysm and aortic dissection (TAAD). Also called: Thoracic aortic aneurysms and dissections. Identifiers: Orphanet 91387, MedGen C4707243, MONDO:0019625.
Hereditary cancer-predisposing syndrome. Also called: Hereditary Cancer Syndrome; Hereditary neoplastic syndrome; Neoplastic Syndromes, Hereditary; Tumor predisposition. Identifiers: Orphanet 140162, MedGen C0027672, MeSH D009386, MONDO:0015356.

Submissions (3):

Color Diagnostics, LLC DBA Color Health
Classification: Uncertain significance for Hereditary cancer-predisposing syndrome. Last evaluated: 2023-12-04. Review status: criteria provided, single submitter. Criteria: ACMG Guidelines, 2015. Collection method: clinical testing. Allele origin: germline.
Comment: This missense variant replaces tryptophan with arginine at codon 268 of the SMAD4 protein. Computational prediction is inconclusive regarding the impact of this variant on protein structure and function (internally defined REVEL score threshold 0.5 < inconclusive < 0.7, PMID: 27666373). To our knowledge, functional studies have not been reported for this variant. This variant has not been reported in individuals affected with SMAD4-related disorders in the literature. This variant has not been identified in the general population by the Genome Aggregation Database (gnomAD). The available evidence is insufficient to determine the role of this variant in disease conclusively. Therefore, this variant is classified as a Variant of Uncertain Significance.

Ambry Genetics
Classification: Uncertain significance for Hereditary cancer-predisposing syndrome; Familial thoracic aortic aneurysm and aortic dissection. Last evaluated: 2023-01-05. Review status: criteria provided, single submitter. Criteria: Ambry Variant Classification Scheme 2023. Collection method: clinical testing. Allele origin: germline.
Comment: The p.W268R variant (also known as c.802T>C), located in coding exon 6 of the SMAD4 gene, results from a T to C substitution at nucleotide position 802. The tryptophan at codon 268 is replaced by arginine, an amino acid with dissimilar properties. This amino acid position is conserved. In addition, this alteration is predicted to be deleterious by in silico analysis. Since supporting evidence is limited at this time, the clinical significance of this alteration remains unclear.

Labcorp Genetics (formerly Invitae), Labcorp
Classification: Uncertain significance for Juvenile polyposis syndrome. Last evaluated: 2019-07-26. Review status: criteria provided, single submitter. Criteria: Invitae Variant Classification Sherloc (09022015). Collection method: clinical testing. Allele origin: germline.
Comment: In summary, the available evidence is currently insufficient to determine the role of this variant in disease. Therefore, it has been classified as a Variant of Uncertain Significance. Algorithms developed to predict the effect of missense changes on protein structure and function (SIFT, PolyPhen-2, Align-GVGD) all suggest that this variant is likely to be tolerated, but these predictions have not been confirmed by published functional studies and their clinical significance is uncertain. This variant has not been reported in the literature in individuals with SMAD4-related conditions. This variant is not present in population databases (ExAC no frequency). This sequence change replaces tryptophan with arginine at codon 268 of the SMAD4 protein (p.Trp268Arg). The tryptophan residue is highly conserved and there is a moderate physicochemical difference between tryptophan and arginine.

NM_005359.6(SMAD4):c.802T>C (p.Trp268Arg)

Gene: SMAD4 (SMAD family member 4; plus strand). Cytogenetic location: 18q21.2.
Variant type: single nucleotide variant.
Coding change: c.802T>C on transcript NM_005359.6 (MANE Select); coding-DNA position 802, T replaced by C.
Protein change: p.Trp268Arg; replaces tryptophan 268 with arginine.
Molecular consequence: missense variant.
Genome position (GRCh38, 1-based): chr18:51,058,354, T>C. VCF-style: chr18-51058354-T-C. GRCh37 (hg19) VCF-style: chr18-48584724-T-C.
Other names: short protein forms W268R.
Identifiers: ClinVar variation 918234 (VCV000918234.15), dbSNP rs1909899403, ClinGen allele CA402463307.
Genomic context (GRCh38, chr18:51,058,354, plus strand): 5'-CAGCCTTTATAAAAGCAAATTAACCCATGTGGGCCTTAATTTTTAGACAGCACTACCACC[T>C]GGACTGGAAGTAGGACTGCACCATACACACCTAATTTGCCTCACCACCAAAACGGCCATC-3'
Protein context (NP_005350.1, residues 258-278): ATYHHNSTTT[Trp268Arg]TGSRTAPYTP